The following is an entry in ClinVar:

ClinVar aggregate classification (germline): Uncertain significance (1 of 4 stars; one submission).

Conditions:
Inborn genetic diseases. Identifiers: MedGen C0950123, MeSH D030342.

Submission:

Ambry Genetics
Classification: Uncertain significance for Inborn genetic diseases. Last evaluated: 2023-05-16. Review status: criteria provided, single submitter. Criteria: Ambry Variant Classification Scheme 2023. Collection method: clinical testing. Allele origin: germline.
Comment: The c.1158+5G>A intronic alteration consists of a G to A substitution 5 nucleotides after exon 11 (coding exon 10) of the ZMYND11 gene. This variant was not reported in population-based cohorts in the Genome Aggregation Database (gnomAD). This nucleotide position is highly conserved in available vertebrate species. In silico splice site analysis predicts that this alteration will not have any significant effect on splicing. Based on insufficient or conflicting evidence, the clinical significance of this alteration remains unclear.

NM_001370100.5(ZMYND11):c.1158+5G>A

Gene: ZMYND11 (zinc finger MYND-type containing 11; plus strand). Cytogenetic location: 10p15.3.
Variant type: single nucleotide variant.
Coding change: c.1158+5G>A on transcript NM_001370100.5 (MANE Select); 5 bases into the intron after coding-DNA position 1158, G replaced by A.
Molecular consequence: intron variant.
Genome position (GRCh38, 1-based): chr10:246,978, G>A. VCF-style: chr10-246978-G-A. GRCh37 (hg19) VCF-style: chr10-292918-G-A.
Other names: c.996+5G>A (NM_001370103.2, NM_001370104.2, NM_001370105.2 and 6 more transcripts); c.1158+5G>A (NM_006624.7, NM_001370098.2, NM_001370097.3 and 5 more transcripts); c.1080+5G>A (NM_001370119.2); c.1038+5G>A (NM_001370118.2); c.1065+5G>A (NM_001370113.2, NM_001370114.2); c.1107+5G>A (NM_001330057.3, NM_001370112.2); c.1155+5G>A (NM_001370115.2, NM_212479.4); c.993+5G>A (NM_001202466.3, NM_001370111.2); and 7 more.
Identifiers: ClinVar variation 2535434 (VCV002535434.2), dbSNP rs2540010469, ClinGen allele CA2580615420.